The following is an entry in ClinVar:

ClinVar aggregate classification (germline): Uncertain significance (1 of 4 stars; one submission).

Submission:

Labcorp Genetics (formerly Invitae), Labcorp
Classification: Uncertain significance. Last evaluated: 2021-03-19. Review status: criteria provided, single submitter. Criteria: Invitae Variant Classification Sherloc (09022015). Collection method: clinical testing. Allele origin: germline.
Comment: In summary, the available evidence is currently insufficient to determine the role of this variant in disease. Therefore, it has been classified as a Variant of Uncertain Significance. Experimental studies and prediction algorithms are not available or were not evaluated, and the functional significance of this variant is currently unknown. This variant has not been reported in the literature in individuals with ZNF408-related conditions. This variant is not present in population databases (ExAC no frequency). This sequence change creates a premature translational stop signal (p.Thr547Argfs*85) in the ZNF408 gene. While this is not anticipated to result in nonsense mediated decay, it is expected to disrupt the last 174 amino acid(s) of the ZNF408 protein.

NM_024741.3(ZNF408):c.1639_1640del (p.Thr547fs)

Gene: ZNF408 (zinc finger protein 408; plus strand). Cytogenetic location: 11p11.2.
Variant type: Microsatellite.
Coding change: c.1639_1640del on transcript NM_024741.3 (MANE Select); coding-DNA positions 1639 to 1640, 2 bases deleted (AC; older notation c.1639_1640delAC).
Protein change: p.Thr547fs; shifts the reading frame from threonine 547.
Molecular consequence: frameshift variant.
Genome position (GRCh38, 1-based): chr11:46,705,339-46,705,340, AC deleted; deleting any 2 consecutive bases within chr11:46,705,334-46,705,340 gives the same sequence; the c. name uses the placement nearest the transcript's 3' end. VCF-style (leftmost placement, unchanged base first): chr11-46705333-TCA-T. GRCh37 (hg19) VCF-style: chr11-46726883-TCA-T.
Other names: c.1615_1616del, p.Thr539fs (NM_001184751.2); short protein forms T539fs, T547fs.
Identifiers: ClinVar variation 1415021 (VCV001415021.6), dbSNP rs2134510954, ClinGen allele CA2580615668.
Genomic context (GRCh38, chr11:46,705,333, plus strand): 5'-CGCTGCCCACACTGTGCCGATGCCTTCCCCCAGCTGCCTGAACTGCGGCGCCATCTCATC[TCA>T]CACACCGGGGAGGCCCACTTGTGCCCGGTGTGTGGCAAGGCCCTCCGAGACCCACACACG-3'